The following is an entry in ClinVar:

NM_001035.3(RYR2):c.11207C>T (p.Ala3736Val)

Gene: RYR2 (ryanodine receptor 2; plus strand). Cytogenetic location: 1q43.
Variant type: single nucleotide variant.
Coding change: c.11207C>T on transcript NM_001035.3 (MANE Select); coding-DNA position 11207, C replaced by T.
Protein change: p.Ala3736Val; replaces alanine 3736 with valine.
Molecular consequence: missense variant.
Genome position (GRCh38, 1-based): chr1:237,756,349, C>T. VCF-style: chr1-237756349-C-T. GRCh37 (hg19) VCF-style: chr1-237919649-C-T.
Other names: short protein forms A3736V.
Identifiers: ClinVar variation 1332473 (VCV001332473.7), dbSNP rs1209754420, ClinGen allele CA345425882.

ClinVar aggregate classification (germline): Uncertain significance. Review status: criteria provided, multiple submitters, no conflicts (2 of 4 stars). 3 submissions from 3 submitters: Uncertain significance (3). Last evaluated 2024-04-09.

Conditions:
Catecholaminergic polymorphic ventricular tachycardia (CVPT). Also called: Catecholamine-induced polymorphic ventricular tachycardia. Identifiers: Orphanet 3286, MedGen C5574922, MONDO:0017990.
Catecholaminergic polymorphic ventricular tachycardia 1. Also called: VENTRICULAR TACHYCARDIA, CATECHOLAMINERGIC POLYMORPHIC, 1, WITH OR WITHOUT ATRIAL DYSFUNCTION AND/OR DILATED CARDIOMYOPATHY; VENTRICULAR TACHYCARDIA, STRESS-INDUCED POLYMORPHIC 1; RYR2-Related Catecholaminergic Polymorphic Ventricular Tachycardia. Identifiers: Orphanet 3286, MedGen C1631597, MONDO:0011484, OMIM 604772.
Cardiomyopathy (CMYO). Also called: Cardiomyopathies. Identifiers: Orphanet 167848, MedGen C0878544, MONDO:0004994, HP:0001638. Inheritance: Various modes of inheritance.

Allele frequency attached by ClinVar (database versions not stated): gnomAD 0.00001.
gnomAD v4.1: 10 of 1,613,272 alleles (0.00062%); highest among the groups gnomAD compares: Admixed American, 0.0017%; no homozygotes.

Submissions (3):

Labcorp Genetics (formerly Invitae), Labcorp
Classification: Uncertain significance for Catecholaminergic polymorphic ventricular tachycardia 1. Last evaluated: 2024-04-09. Review status: criteria provided, single submitter. Criteria: Invitae Variant Classification Sherloc (09022015). Collection method: clinical testing. Allele origin: germline.
Comment: This sequence change replaces alanine, which is neutral and non-polar, with valine, which is neutral and non-polar, at codon 3736 of the RYR2 protein (p.Ala3736Val). This variant is present in population databases (no rsID available, gnomAD 0.003%). This variant has not been reported in the literature in individuals affected with RYR2-related conditions. ClinVar contains an entry for this variant (Variation ID: 1332473). Advanced modeling of protein sequence and biophysical properties (such as structural, functional, and spatial information, amino acid conservation, physicochemical variation, residue mobility, and thermodynamic stability) has been performed at Invitae for this missense variant, however the output from this modeling did not meet the statistical confidence thresholds required to predict the impact of this variant on RYR2 protein function. In summary, the available evidence is currently insufficient to determine the role of this variant in disease. Therefore, it has been classified as a Variant of Uncertain Significance.

All of Us Research Program, National Institutes of Health
Classification: Uncertain significance for Catecholaminergic polymorphic ventricular tachycardia. Last evaluated: 2024-03-24. Review status: criteria provided, single submitter. Criteria: ACMG Guidelines, 2015. Collection method: clinical testing. Allele origin: germline. Inheritance: Autosomal dominant inheritance. Observed: 1 variant allele, 1 heterozygote.
Comment: This missense variant replaces alanine with valine at codon 3736 of the RYR2 protein. Computational prediction is inconclusive regarding the impact of this variant on protein structure and function (internally defined REVEL score threshold 0.5 < inconclusive < 0.7, PMID: 27666373). To our knowledge, functional studies have not been reported for this variant. This variant has not been reported in individuals affected with cardiovascular disorders in the literature. This variant has been identified in 1/248528 chromosomes in the general population by the Genome Aggregation Database (gnomAD). The available evidence is insufficient to determine the role of this variant in disease conclusively. Therefore, this variant is classified as a Variant of Uncertain Significance.

This study involves interpretation of variants in research participants for the purpose of population health screening. Participant phenotype was not available at the time of variant classification. Additional details can be found in publication PMID: 35346344, PMCID: PMC8962531

Color Diagnostics, LLC DBA Color Health
Classification: Uncertain significance for Cardiomyopathy. Last evaluated: 2024-02-05. Review status: criteria provided, single submitter. Criteria: ACMG Guidelines, 2015. Collection method: clinical testing. Allele origin: germline.
Comment: This missense variant replaces alanine with valine at codon 3736 of the RYR2 protein. Computational prediction is inconclusive regarding the impact of this variant on protein structure and function (internally defined REVEL score threshold 0.5 < inconclusive < 0.7, PMID: 27666373). To our knowledge, functional studies have not been reported for this variant. This variant has not been reported in individuals affected with cardiovascular disorders in the literature. This variant has been identified in 1/248528 chromosomes in the general population by the Genome Aggregation Database (gnomAD). The available evidence is insufficient to determine the role of this variant in disease conclusively. Therefore, this variant is classified as a Variant of Uncertain Significance.